The following is an entry in ClinVar:

NM_003803.4(MYOM1):c.1165C>A (p.Pro389Thr)

Gene: MYOM1 (myomesin 1; minus strand). Cytogenetic location: 18p11.31.
Variant type: single nucleotide variant.
Coding change: c.1165C>A on transcript NM_003803.4 (MANE Select); coding-DNA position 1165, C replaced by A.
Protein change: p.Pro389Thr; replaces proline 389 with threonine.
Molecular consequence: missense variant.
Genome position (GRCh38, 1-based): chr18:3,173,947, G>T on the plus strand (C>A on the coding strand, the complement: MYOM1 is on the minus strand). VCF-style: chr18-3173947-G-T. GRCh37 (hg19) VCF-style: chr18-3173945-G-T.
Other names: c.1165C>A, p.Pro389Thr (NM_019856.2); short protein forms P389T.
Identifiers: ClinVar variation 3657055 (VCV003657055.2).

ClinVar aggregate classification (germline): Uncertain significance (1 of 4 stars; one submission).

Conditions:
Hypertrophic cardiomyopathy. Also called: HYPERTROPHIC MYOCARDIOPATHY. Identifiers: Orphanet 217569, MedGen C0007194, MeSH D002312, MONDO:0005045, HP:0001639.

gnomAD v4.1: 1 of 1,613,414 alleles (0.000062%); no homozygotes.

Submission:

Labcorp Genetics (formerly Invitae), Labcorp
Classification: Uncertain significance for Hypertrophic cardiomyopathy. Last evaluated: 2024-07-24. Review status: criteria provided, single submitter. Criteria: Invitae Variant Classification Sherloc (09022015). Collection method: clinical testing. Allele origin: germline.
Comment: This sequence change replaces proline, which is neutral and non-polar, with threonine, which is neutral and polar, at codon 389 of the MYOM1 protein (p.Pro389Thr). This variant is not present in population databases (gnomAD no frequency). This variant has not been reported in the literature in individuals affected with MYOM1-related conditions. An algorithm developed to predict the effect of missense changes on protein structure and function (PolyPhen-2) suggests that this variant is likely to be tolerated. In summary, the available evidence is currently insufficient to determine the role of this variant in disease. Therefore, it has been classified as a Variant of Uncertain Significance.